The following is an entry in ClinVar:

ClinVar aggregate classification (germline): Uncertain significance. Review status: criteria provided, multiple submitters, no conflicts (2 of 4 stars). 2 submissions from 2 submitters: Uncertain significance (2). Last evaluated 2026-01-11.

Conditions:
Osteogenesis imperfecta type I (OI1). Also called: OI, TYPE I; OSTEOGENESIS IMPERFECTA TARDA; OSTEOGENESIS IMPERFECTA WITH BLUE SCLERAE; Osteogenesis imperfecta type 1; Lobstein's Disease; Lobstein disease. Identifiers: Orphanet 216796, Orphanet 666, MedGen C0023931, MONDO:0008146, OMIM 166200. Disease mechanism: loss of function.
COL1A1-related disorder. Also called: COL1A1-related condition; COL1A1- related disease.

Submissions (2):

PreventionGenetics, part of Exact Sciences
Classification: Uncertain significance for COL1A1-related condition. Last evaluated: 2026-01-11. Review status: criteria provided, single submitter. Criteria: ACMG Guidelines, 2015. Collection method: clinical testing. Allele origin: germline.
Comment: The COL1A1 c.1768-3delC variant is predicted to result in an intronic deletion. This variant is predicted to impact splicing based on available splicing prediction programs (SpliceAI, Jaganathan et al. 2019. PubMed ID: 30661751). To our knowledge, this variant has not been reported in the literature. This variant is reported in 0.0099% of alleles in individuals of South Asian descent in gnomAD. At this time, the clinical significance of this variant is uncertain due to the absence of conclusive functional and genetic evidence.

Labcorp Genetics (formerly Invitae), Labcorp
Classification: Uncertain significance for Osteogenesis imperfecta type I. Last evaluated: 2026-01-09. Review status: criteria provided, single submitter. Criteria: Invitae Variant Classification Sherloc (09022015). Collection method: clinical testing. Allele origin: germline.
Comment: This sequence change falls in intron 25 of the COL1A1 gene. It does not directly change the encoded amino acid sequence of the COL1A1 protein. It affects a nucleotide within the consensus splice site. This variant is present in population databases (no rsID available, gnomAD 0.01%). This variant has not been reported in the literature in individuals affected with COL1A1-related conditions. Variants that disrupt the consensus splice site are a relatively common cause of aberrant splicing (PMID: 17576681, 9536098). Algorithms developed to predict the effect of sequence changes on RNA splicing suggest that this variant may disrupt the consensus splice site. In summary, the available evidence is currently insufficient to determine the role of this variant in disease. Therefore, it has been classified as a Variant of Uncertain Significance.

Literature cited by the submitters: PubMed 17576681 (cited by Labcorp Genetics (formerly Invitae), Labcorp); PubMed 9536098 (cited by Labcorp Genetics (formerly Invitae), Labcorp).

NM_000088.4(COL1A1):c.1768-3del

Gene: COL1A1 (collagen type I alpha 1 chain; minus strand). Cytogenetic location: 17q21.33.
Variant type: Deletion.
Coding change: c.1768-3del on transcript NM_000088.4 (MANE Select); 3 bases into the intron before coding-DNA position 1768, one base deleted (C; older notation c.1768-3delC).
Molecular consequence: intron variant.
Genome position (GRCh38, 1-based): chr17:50,193,050, G deleted on the plus strand (C on the coding strand, the reverse complement: COL1A1 is on the minus strand). VCF-style (leftmost placement, unchanged base first): chr17-50193049-TG-T. GRCh37 (hg19) VCF-style: chr17-48270410-TG-T.
Other names: c.1768-3delC (NM_000088.3).
Identifiers: ClinVar variation 4751022 (VCV004751022.2).